The following is an entry in ClinVar:

NM_000368.5(TSC1):c.1439-7del

Gene: TSC1 (TSC complex subunit 1; minus strand). Cytogenetic location: 9q34.13.
Variant type: Deletion.
Coding change: c.1439-7del on transcript NM_000368.5 (MANE Select); 7 bases into the intron before coding-DNA position 1439, one base deleted (C; older notation c.1439-7delC).
Molecular consequence: intron variant.
Genome position (GRCh38, 1-based): chr9:132,906,146, G deleted on the plus strand (C on the coding strand, the reverse complement: TSC1 is on the minus strand); the first of 2 consecutive G bases (chr9:132,906,146-132,906,147); deleting either gives the same sequence. VCF-style (leftmost placement, unchanged base first): chr9-132906145-AG-A. GRCh37 (hg19) VCF-style: chr9-135781532-AG-A.
Other names: c.1073-7del (NM_001406620.1, NM_001406625.1, NM_001406621.1 and 2 more transcripts); c.1076-7del (NM_001406618.1, NM_001406617.1, NM_001406619.1 and 5 more transcripts); c.1283-7del (NM_001406613.1, NM_001406612.1, NM_001406611.1); c.1286-7del (NM_001406610.1, NM_001162427.2); c.485-7del (NM_001406627.1, NM_001406628.1); c.386-7del (NM_001406629.1, NM_001406630.1); c.1436-7del (NM_001406603.1, NM_001406609.1, NM_001406597.1 and 6 more transcripts); c.1439-7del (NM_001406602.1, NM_001406606.1, NM_001406592.1 and 7 more transcripts); and 1 more.
Identifiers: ClinVar variation 4071353 (VCV004071353.1).

ClinVar aggregate classification (germline): Likely benign (1 of 4 stars; one submission).

Conditions:
Tuberous sclerosis 1 (TSC1). Identifiers: Orphanet 805, MedGen C1854465, MONDO:0008612, OMIM 191100.

Submission:

Myriad Genetics, Inc.
Classification: Likely benign for Tuberous sclerosis 1. Last evaluated: 2025-04-09. Review status: criteria provided, single submitter. Criteria: Myriad Autosomal Dominant, Autosomal Recessive and X-Linked Classification Criteria (2023). Collection method: clinical testing. Allele origin: unknown.
Comment: This variant is considered likely benign. This variant is intronic and is not expected to impact mRNA splicing.